The following is an entry in ClinVar:

ClinVar aggregate classification (germline): Likely pathogenic (1 of 4 stars; one submission).

Conditions:
Werner syndrome (WRN). Identifiers: Orphanet 902, MedGen C0043119, MONDO:0010196, OMIM 277700.

Submission:

Labcorp Genetics (formerly Invitae), Labcorp
Classification: Likely pathogenic for Werner syndrome. Last evaluated: 2021-04-24. Review status: criteria provided, single submitter. Criteria: Invitae Variant Classification Sherloc (09022015). Collection method: clinical testing. Allele origin: unknown.
Comment: In summary, the currently available evidence indicates that the variant is pathogenic, but additional data are needed to prove that conclusively. Therefore, this variant has been classified as Likely Pathogenic. This variant has not been reported in the literature in individuals with WRN-related conditions. ClinVar contains an entry for this variant (Variation ID: 961727). This variant results in the deletion of exon 20 and part of exon 19 (c.2243_2448+1211del) of the WRN gene. It is expected to disrupt RNA splicing. Variants that disrupt the donor or acceptor splice site typically lead to a loss of protein function (PMID: 16199547), and loss-of-function variants in WRN are known to be pathogenic (PMID: 16673358).

Literature cited by the submitters: PubMed 16199547; PubMed 16673358.

NC_000008.10:g.(?_30969285)_(30975255_?)del

Gene: WRN (WRN RecQ like helicase; plus strand). Cytogenetic location: 8p12.
Variant type: Deletion.
Identifiers: ClinVar variation 3245425 (VCV003245425.1).